The following is an entry in ClinVar:

NM_002734.5(PRKAR1A):c.578G>A (p.Ser193Asn)

Gene: PRKAR1A (protein kinase cAMP-dependent type I regulatory subunit alpha; plus strand). Cytogenetic location: 17q24.2.
Variant type: single nucleotide variant.
Coding change: c.578G>A on transcript NM_002734.5 (MANE Select); coding-DNA position 578, G replaced by A.
Protein change: p.Ser193Asn; replaces serine 193 with asparagine.
Molecular consequence: missense variant.
Genome position (GRCh38, 1-based): chr17:68,525,782, G>A. VCF-style: chr17-68525782-G-A. GRCh37 (hg19) VCF-style: chr17-66521923-G-A.
Other names: c.578G>A, p.Ser193Asn (NM_212472.2, NM_001276289.2, NM_001276290.1 and 4 more transcripts); short protein forms S193N.
Identifiers: ClinVar variation 3222772 (VCV003222772.4), dbSNP rs2085770954, ClinGen allele CA400753112.

ClinVar aggregate classification (germline): Uncertain significance. Review status: criteria provided, multiple submitters, no conflicts (2 of 4 stars). 3 submissions from 3 submitters: Uncertain significance (3). Last evaluated 2024-06-10.

Conditions:
Hereditary cancer-predisposing syndrome. Also called: Tumor predisposition; Hereditary neoplastic syndrome; Hereditary Cancer Syndrome; Neoplastic Syndromes, Hereditary. Identifiers: Orphanet 140162, MedGen C0027672, MeSH D009386, MONDO:0015356.
Carney complex, type 1 (CNC1). Also called: CARNEY MYXOMA-ENDOCRINE COMPLEX; CARNEY COMPLEX, TYPE I. Identifiers: Orphanet 1359, MedGen C2607929, MONDO:0008057, OMIM 160980.

Allele frequency attached by ClinVar (database versions not stated): TOPMed 0.00001.

Submissions (3):

Labcorp Genetics (formerly Invitae), Labcorp
Classification: Uncertain significance for Carney complex, type 1. Last evaluated: 2024-06-10. Review status: criteria provided, single submitter. Criteria: Invitae Variant Classification Sherloc (09022015). Collection method: clinical testing. Allele origin: germline.
Comment: This sequence change replaces serine, which is neutral and polar, with asparagine, which is neutral and polar, at codon 193 of the PRKAR1A protein (p.Ser193Asn). This variant is not present in population databases (gnomAD no frequency). This variant has not been reported in the literature in individuals affected with PRKAR1A-related conditions. Advanced modeling of protein sequence and biophysical properties (such as structural, functional, and spatial information, amino acid conservation, physicochemical variation, residue mobility, and thermodynamic stability) performed at Invitae indicates that this missense variant is not expected to disrupt PRKAR1A protein function with a negative predictive value of 80%. In summary, the available evidence is currently insufficient to determine the role of this variant in disease. Therefore, it has been classified as a Variant of Uncertain Significance.

GeneDx
Classification: Uncertain significance. Last evaluated: 2024-03-11. Review status: criteria provided, single submitter. Criteria: GeneDx Variant Classification Process June 2021. Collection method: clinical testing. Allele origin: germline. Affected: yes.
Comment: Not observed at significant frequency in large population cohorts (gnomAD); In silico analysis supports that this missense variant does not alter protein structure/function; Has not been previously published as pathogenic or benign to our knowledge; This variant is associated with the following publications: (PMID: 24363928)

Ambry Genetics
Classification: Uncertain significance for Hereditary cancer-predisposing syndrome. Last evaluated: 2023-12-10. Review status: criteria provided, single submitter. Criteria: Ambry Variant Classification Scheme 2023. Collection method: clinical testing. Allele origin: germline.
Comment: The p.S193N variant (also known as c.578G>A), located in coding exon 6 of the PRKAR1A gene, results from a G to A substitution at nucleotide position 578. The serine at codon 193 is replaced by asparagine, an amino acid with highly similar properties. This amino acid position is conserved. In addition, the in silico prediction for this alteration is inconclusive. Since supporting evidence is limited at this time, the clinical significance of this alteration remains unclear.